The following is an entry in ClinVar:

NM_001572.5(IRF7):c.1387G>A (p.Glu463Lys)

Gene: IRF7 (interferon regulatory factor 7; minus strand). Cytogenetic location: 11p15.5.
Variant type: single nucleotide variant.
Coding change: c.1387G>A on transcript NM_001572.5 (MANE Select); coding-DNA position 1387, G replaced by A.
Protein change: p.Glu463Lys; replaces glutamic acid 463 with lysine.
Molecular consequence: missense variant.
Genome position (GRCh38, 1-based): chr11:612,770, C>T on the plus strand (G>A on the coding strand, the complement: IRF7 is on the minus strand). VCF-style: chr11-612770-C-T. GRCh37 (hg19) VCF-style: chr11-612770-C-T.
Other names: c.1300G>A, p.Glu434Lys (NM_004029.4); c.1426G>A, p.Glu476Lys (NM_004031.4); c.1387G>A, p.Glu463Lys (LRG_1313t1); short protein forms E463K, E476K, E434K.
Identifiers: ClinVar variation 542689 (VCV000542689.8), dbSNP rs375003348, ClinGen allele CA5783453.

ClinVar aggregate classification (germline): Uncertain significance (1 of 4 stars; one submission).

Conditions:
Immunodeficiency 39 (IMD39). Identifiers: Orphanet 574918, MedGen C4225358, MONDO:0014597, OMIM 616345.

Allele frequency attached by ClinVar (database versions not stated): ExAC 0.00009; TOPMed 0.00003; gnomAD exomes 0.00007; ESP Exome Variant Server 0.00008.
gnomAD v4.1: 54 of 1,611,600 alleles (0.0034%); highest among the groups gnomAD compares: Non-Finnish European, 0.00042%; no homozygotes.

Submission:

Labcorp Genetics (formerly Invitae), Labcorp
Classification: Uncertain significance for Immunodeficiency 39. Last evaluated: 2024-07-29. Review status: criteria provided, single submitter. Criteria: Invitae Variant Classification Sherloc (09022015). Collection method: clinical testing. Allele origin: germline.
Comment: This sequence change replaces glutamic acid, which is acidic and polar, with lysine, which is basic and polar, at codon 476 of the IRF7 protein (p.Glu476Lys). This variant is present in population databases (rs375003348, gnomAD 0.2%), and has an allele count higher than expected for a pathogenic variant. This variant has not been reported in the literature in individuals affected with IRF7-related conditions. ClinVar contains an entry for this variant (Variation ID: 542689). Advanced modeling of protein sequence and biophysical properties (such as structural, functional, and spatial information, amino acid conservation, physicochemical variation, residue mobility, and thermodynamic stability) has been performed at Invitae for this missense variant, however the output from this modeling did not meet the statistical confidence thresholds required to predict the impact of this variant on IRF7 protein function. In summary, the available evidence is currently insufficient to determine the role of this variant in disease. Therefore, it has been classified as a Variant of Uncertain Significance.